The following is an entry in ClinVar:

ClinVar aggregate classification (germline): Likely pathogenic (1 of 4 stars; one submission).

Conditions:
3MC syndrome 1. Also called: MICHELS SYNDROME; CRANIOSYNOSTOSIS WITH LID ANOMALIES; OCULOPALATOSKELETAL SYNDROME. Identifiers: Orphanet 293843, MedGen C0796059, MONDO:0009770, OMIM 257920.

Submission:

Centre for Mendelian Genomics, University Medical Centre Ljubljana
Classification: Likely pathogenic for 3MC syndrome 1. Last evaluated: 2016-01-01. Review status: criteria provided, single submitter. Criteria: ACMG Guidelines, 2015. Collection method: clinical testing. Allele origin: unknown. Affected: yes.
Comment: This variant was classified as: Likely pathogenic. The following ACMG criteria were applied in classifying this variant: PVS1,PM2.

NM_139125.4(MASP1):c.1492dup (p.Val498fs)

Gene: MASP1 (MBL associated serine protease 1; minus strand). Cytogenetic location: 3q27.3.
Variant type: Duplication.
Coding change: c.1492dup on transcript NM_139125.4 (MANE Select); coding-DNA position 1492, one base duplicated (G; older notation c.1492dupG).
Protein change: p.Val498fs; shifts the reading frame from valine 498.
Molecular consequence: frameshift variant. On other transcripts: non-coding transcript variant (1), intron variant (1).
Genome position (GRCh38, 1-based): chr3:187,236,379, C duplicated on the plus strand (G on the coding strand, the reverse complement: MASP1 is on the minus strand). VCF-style (leftmost placement, unchanged base first): chr3-187236378-A-AC. GRCh37 (hg19) VCF-style: chr3-186954166-A-AC.
Other names: c.1303+5102dup (NM_001879.6); short protein forms V498fs.
Identifiers: ClinVar variation 932000 (VCV000932000.3), dbSNP rs1713182815, ClinGen allele CA1139658384.